The following is an entry in ClinVar:

ClinVar aggregate classification (germline): Uncertain significance. Review status: criteria provided, multiple submitters, no conflicts (2 of 4 stars). 5 submissions from 5 submitters: Uncertain significance (5). Last evaluated 2025-12-22.

Conditions:
Retinal arterial tortuosity. Also called: RETINAL HEMORRHAGE WITH VASCULAR TORTUOSITY; Retinal arteries, tortuosity of. Identifiers: Orphanet 75326, MedGen C0423401, MONDO:0008373, OMIM 180000, HP:0000631.
Autosomal dominant familial hematuria-retinal arteriolar tortuosity-contractures syndrome. Also called: Angiopathy, hereditary, with nephropathy, aneurysms, and muscle cramps; Hereditary Angiopathy with Nephropathy, Aneurysms, and Muscle Cramps (HANAC) Syndrome. Identifiers: Orphanet 73229, MedGen C2673195, MONDO:0012726, OMIM 611773.
Microangiopathy and leukoencephalopathy, pontine, autosomal dominant. Also called: DEMENTIA, HEREDITARY MULTI-INFARCT, SWEDISH TYPE; Pontine autosomal dominant microangiopathy with leukoencephalopathy. Identifiers: Orphanet 477749, MedGen C5231411, MONDO:0032814, OMIM 618564.
Brain small vessel disease 1 with or without ocular anomalies (BSVD1). Also called: BRAIN SMALL VESSEL DISEASE WITH HEMORRHAGE; PORENCEPHALY, TYPE 1, AUTOSOMAL DOMINANT; GOULD SYNDROME 1; Brain small vessel disease with or without ocular anomalies. Identifiers: Orphanet 2940, Orphanet 36383, Orphanet 99810, MedGen C4755307, MONDO:0008289, OMIM 175780.
Hemorrhage, intracerebral, susceptibility to (ICH). Also called: Stroke, hemorrhagic, susceptibility to. Identifiers: MedGen C3281105, MONDO:0100533, OMIM 614519.
Inborn genetic diseases. Identifiers: MedGen C0950123, MeSH D030342.

Allele frequency attached by ClinVar (database versions not stated): TOPMed below 0.00001; ExAC 0.00002; gnomAD exomes 0.00002; gnomAD 0.00003; ESP Exome Variant Server 0.00008.
gnomAD v4.1: 34 of 1,614,080 alleles (0.0021%); highest among the groups gnomAD compares: Non-Finnish European, 0.0028%; no homozygotes.

Submissions (5):

Ambry Genetics
Classification: Uncertain significance for Inborn genetic diseases. Last evaluated: 2025-12-22. Review status: criteria provided, single submitter. Criteria: Ambry Variant Classification Scheme 2023. Collection method: clinical testing. Allele origin: germline.
Comment: The c.4372C>T (p.P1458S) alteration is located in exon 48 (coding exon 48) of the COL4A1 gene. This alteration results from a C to T substitution at nucleotide position 4372, causing the proline (P) at amino acid position 1458 to be replaced by a serine (S). Based on data from gnomAD, the T allele has an overall frequency of 0.003% (7/282896) total alleles studied. The highest observed frequency was 0.005% (6/129194) of European (non-Finnish) alleles. Based on insufficient or conflicting evidence, the clinical significance of this alteration remains unclear.

Labcorp Genetics (formerly Invitae), Labcorp
Classification: Uncertain significance. Last evaluated: 2025-11-18. Review status: criteria provided, single submitter. Criteria: Invitae Variant Classification Sherloc (09022015). Collection method: clinical testing. Allele origin: germline.
Comment: This sequence change replaces proline, which is neutral and non-polar, with serine, which is neutral and polar, at codon 1458 of the COL4A1 protein (p.Pro1458Ser). This variant is present in population databases (rs370341214, gnomAD 0.005%). This variant has not been reported in the literature in individuals affected with COL4A1-related conditions. ClinVar contains an entry for this variant (Variation ID: 2061372). Invitae Evidence Modeling of protein sequence and biophysical properties (such as structural, functional, and spatial information, amino acid conservation, physicochemical variation, residue mobility, and thermodynamic stability) indicates that this missense variant is expected to disrupt COL4A1 protein function with a positive predictive value of 95%. In summary, the available evidence is currently insufficient to determine the role of this variant in disease. Therefore, it has been classified as a Variant of Uncertain Significance.

GeneDx
Classification: Uncertain significance. Last evaluated: 2024-09-30. Review status: criteria provided, single submitter. Criteria: GeneDx Variant Classification Process June 2021. Collection method: clinical testing. Allele origin: germline. Affected: yes.
Comment: Has not been previously published as pathogenic or benign to our knowledge; In silico analysis supports that this missense variant has a deleterious effect on protein structure/function

Revvity Omics, Revvity
Classification: Uncertain significance. Last evaluated: 2024-04-11. Review status: criteria provided, single submitter. Criteria: ACMG Guidelines, 2015. Collection method: clinical testing. Allele origin: germline.

Fulgent Genetics
Classification: Uncertain significance for Brain small vessel disease 1 with or without ocular anomalies; Retinal arterial tortuosity; Autosomal dominant familial hematuria-retinal arteriolar tortuosity-contractures syndrome; Hemorrhage, intracerebral, susceptibility to; Microangiopathy and leukoencephalopathy, pontine, autosomal dominant. Last evaluated: 2024-01-08. Review status: criteria provided, single submitter. Criteria: ACMG Guidelines, 2015. Collection method: clinical testing. Allele origin: germline.

NM_001845.6(COL4A1):c.4372C>T (p.Pro1458Ser)

Gene: COL4A1 (collagen type IV alpha 1 chain; minus strand). Cytogenetic location: 13q34.
Variant type: single nucleotide variant.
Coding change: c.4372C>T on transcript NM_001845.6 (MANE Select); coding-DNA position 4372, C replaced by T.
Protein change: p.Pro1458Ser; replaces proline 1458 with serine.
Molecular consequence: missense variant.
Genome position (GRCh38, 1-based): chr13:110,162,320, G>A on the plus strand (C>T on the coding strand, the complement: COL4A1 is on the minus strand). VCF-style: chr13-110162320-G-A. GRCh37 (hg19) VCF-style: chr13-110814667-G-A.
Other names: c.4372C>T (NM_001845.4); short protein forms P1458S.
Identifiers: ClinVar variation 2061372 (VCV002061372.8), dbSNP rs370341214, ClinGen allele CA7046949.